The following is an entry in ClinVar:

ClinVar aggregate classification (germline): Uncertain significance (0 of 4 stars; one submission).

Conditions:
PLXNA1-related disorder. Also called: PLXNA1-related condition.

gnomAD v4.1: 1 of 1,613,274 alleles (0.000062%); highest among the groups gnomAD compares: Non-Finnish European, 0.000085%; no homozygotes.

Submission:

PreventionGenetics, part of Exact Sciences
Classification: Uncertain significance for PLXNA1-related condition. Last evaluated: 2024-08-27. Review status: no assertion criteria provided. Collection method: clinical testing. Allele origin: germline.
Comment: The PLXNA1 c.5457C>T variant is not predicted to result in an amino acid change (p.=). To our knowledge, this variant has not been reported in the literature or in a large population database, indicating this variant is rare. This variant is predicted to alter splicing based on available splicing prediction programs (SpliceAI, Jaganathan et al. 2019. PubMed ID: 30661751). However, such computer prediction programs are imperfect. At this time, the clinical significance of this variant is uncertain due to the absence of conclusive functional and genetic evidence.

NM_032242.4(PLXNA1):c.5457C>T (p.Asp1819=)

Gene: PLXNA1 (plexin A1; plus strand). Cytogenetic location: 3q21.3.
Variant type: single nucleotide variant.
Coding change: c.5457C>T on transcript NM_032242.4 (MANE Select); coding-DNA position 5457, C replaced by T.
Protein change: p.Asp1819=; no amino-acid change (aspartic acid 1819 retained).
Molecular consequence: synonymous variant.
Genome position (GRCh38, 1-based): chr3:127,032,698, C>T. VCF-style: chr3-127032698-C-T. GRCh37 (hg19) VCF-style: chr3-126751541-C-T.
Identifiers: ClinVar variation 3345834 (VCV003345834.1).